The following is an entry in ClinVar:

ClinVar aggregate classification (germline): Likely benign (0 of 4 stars; one submission).

Conditions:
ZC3H4-related disorder. Also called: ZC3H4-related condition.

Allele frequency attached by ClinVar (database versions not stated): ExAC 0.00066; ESP Exome Variant Server 0.00105; 1000 Genomes Project 0.00120; 1000 Genomes Project 30x 0.00125; gnomAD 0.00146; TOPMed 0.00189.
gnomAD v4.1: 706 of 1,602,948 alleles (0.044%); highest among the groups gnomAD compares: African/African-American, 0.4%; 2 homozygotes.

Submission:

PreventionGenetics, part of Exact Sciences
Classification: Likely benign for ZC3H4-related condition. Last evaluated: 2022-04-11. Review status: no assertion criteria provided. Collection method: clinical testing. Allele origin: germline.
Comment: This variant is classified as likely benign based on ACMG/AMP sequence variant interpretation guidelines (Richards et al. 2015 PMID: 25741868, with internal and published modifications).

NM_015168.2(ZC3H4):c.3500C>T (p.Thr1167Met)

Gene: ZC3H4 (zinc finger CCCH-type containing 4; minus strand). Cytogenetic location: 19q13.32.
Variant type: single nucleotide variant.
Coding change: c.3500C>T on transcript NM_015168.2 (MANE Select); coding-DNA position 3500, C replaced by T.
Protein change: p.Thr1167Met; replaces threonine 1167 with methionine.
Molecular consequence: missense variant.
Genome position (GRCh38, 1-based): chr19:47,066,768, G>A on the plus strand (C>T on the coding strand, the complement: ZC3H4 is on the minus strand). VCF-style: chr19-47066768-G-A. GRCh37 (hg19) VCF-style: chr19-47570025-G-A.
Other names: short protein forms T1167M.
Identifiers: ClinVar variation 3041020 (VCV003041020.2), dbSNP rs200843141, ClinGen allele CA9534580.